The following is an entry in ClinVar:

ClinVar aggregate classification (germline): Pathogenic/Likely pathogenic. Review status: criteria provided, multiple submitters, no conflicts (2 of 4 stars). 3 submissions from 3 submitters: Pathogenic (1); Likely pathogenic (2). Last evaluated 2023-08-10.

Conditions:
C1QA-related disorders.
C1Q deficiency. Identifiers: MedGen C3150902, MONDO:0013343.

gnomAD v4.1: 9 of 1,613,806 alleles (0.00056%); highest among the groups gnomAD compares: South Asian, 0.0011%; no homozygotes.

Submissions (3):

Labcorp Genetics (formerly Invitae), Labcorp
Classification: Pathogenic. Last evaluated: 2023-08-10. Review status: criteria provided, single submitter. Criteria: Invitae Variant Classification Sherloc (09022015). Collection method: clinical testing. Allele origin: germline.
Comment: This variant has not been reported in the literature in individuals affected with C1QA-related conditions. For these reasons, this variant has been classified as Pathogenic. ClinVar contains an entry for this variant (Variation ID: 1332787). This variant is present in population databases (no rsID available, gnomAD 0.003%). This sequence change creates a premature translational stop signal (p.Arg27*) in the C1QA gene. It is expected to result in an absent or disrupted protein product. Loss-of-function variants in C1QA are known to be pathogenic (PMID: 9590289, 21654842, 22472776).

Blueprint Genetics
Classification: Likely pathogenic for C1QA-related disorders. Last evaluated: 2020-02-05. Review status: criteria provided, single submitter. Criteria: ACMG Guidelines, 2015. Collection method: clinical testing. Allele origin: germline. Affected: yes. Observed: 1 variant allele.

Kasturba Medical College, Manipal, Kasturba Medical College, Manipal, Manipal Academy of Higher Education, Manipal, India
Classification: Likely pathogenic for C1Q deficiency 1. Review status: criteria provided, single submitter. Criteria: ACMG Guidelines, 2015. Collection method: clinical testing. Allele origin: inherited. Affected: yes.

Literature cited by the submitters: PubMed 9590289 (cited by Labcorp Genetics (formerly Invitae), Labcorp); PubMed 21654842 (cited by Labcorp Genetics (formerly Invitae), Labcorp); PubMed 22472776 (cited by Labcorp Genetics (formerly Invitae), Labcorp).

NM_015991.4(C1QA):c.79C>T (p.Arg27Ter)

Gene: C1QA (complement C1q A chain; plus strand). Cytogenetic location: 1p36.12.
Variant type: single nucleotide variant.
Coding change: c.79C>T on transcript NM_015991.4 (MANE Select); coding-DNA position 79, C replaced by T.
Protein change: p.Arg27Ter; replaces arginine 27 with a stop codon.
Molecular consequence: nonsense.
Genome position (GRCh38, 1-based): chr1:22,637,695, C>T. VCF-style: chr1-22637695-C-T. GRCh37 (hg19) VCF-style: chr1-22964188-C-T.
Other names: c.79C>T, p.Arg27Ter (NM_001347465.2, NM_001347466.2); short protein forms R27*.
Identifiers: ClinVar variation 1332787 (VCV001332787.8), dbSNP rs952339666, ClinGen allele CA338927193.